The following is an entry in ClinVar:

NM_001023.4(RPS20):c.178-19C>T

Gene: RPS20 (ribosomal protein S20; minus strand). Cytogenetic location: 8q12.1.
Variant type: single nucleotide variant.
Coding change: c.178-19C>T on transcript NM_001023.4 (MANE Select); 19 bases into the intron before coding-DNA position 178, C replaced by T.
Molecular consequence: intron variant.
Genome position (GRCh38, 1-based): chr8:56,073,291, G>A on the plus strand (C>T on the coding strand, the complement: RPS20 is on the minus strand). VCF-style: chr8-56073291-G-A. GRCh37 (hg19) VCF-style: chr8-56985850-G-A.
Other names: c.178-19C>T (NM_001146227.3).
Identifiers: ClinVar variation 2195784 (VCV002195784.5), dbSNP rs1325679671, ClinGen allele CA853413786.

ClinVar aggregate classification (germline): Likely benign. Review status: criteria provided, multiple submitters, no conflicts (2 of 4 stars). 2 submissions from 2 submitters: Likely benign (2). Last evaluated 2026-07-31.

Conditions:
Familial colorectal cancer type X. Identifiers: Orphanet 440437, MedGen C3896578, MONDO:0018604.

Allele frequency attached by ClinVar (database versions not stated): gnomAD 0.00001; gnomAD exomes below 0.00001; TOPMed 0.00001.
gnomAD v4.1: 7 of 1,486,708 alleles (0.00047%); highest among the groups gnomAD compares: Middle Eastern, 0.017%; no homozygotes.

Submissions (2):

Myriad Genetics, Inc.
Classification: Likely benign for Familial colorectal cancer type X. Last evaluated: 2026-07-31. Review status: criteria provided, single submitter. Criteria: Myriad Autosomal Dominant, Autosomal Recessive and X-Linked Classification Criteria (2023). Collection method: clinical testing. Allele origin: unknown.
Comment: This variant is considered likely benign. This variant is intronic and is not expected to impact mRNA splicing.

Labcorp Genetics (formerly Invitae), Labcorp
Classification: Likely benign. Last evaluated: 2023-06-22. Review status: criteria provided, single submitter. Criteria: Invitae Variant Classification Sherloc (09022015). Collection method: clinical testing. Allele origin: germline.